The following is an entry in ClinVar:

NC_000001.10:g.(?_76228367)_(76228458_?)del

Gene: ACADM (acyl-CoA dehydrogenase medium chain; plus strand). Cytogenetic location: 1p31.1.
Variant type: Deletion.
Identifiers: ClinVar variation 2422130 (VCV002422130.4).

ClinVar aggregate classification (germline): Pathogenic (1 of 4 stars; one submission).

Conditions:
Medium-chain acyl-coenzyme A dehydrogenase deficiency (ACADMD). Also called: MCADD; MCADH DEFICIENCY; Medium chain acyl-CoA dehydrogenase deficiency; ACADM DEFICIENCY; CARNITINE DEFICIENCY SECONDARY TO MEDIUM-CHAIN ACYL-CoA DEHYDROGENASE DEFICIENCY; MCAD Deficiency. Identifiers: Orphanet 42, MedGen C0220710, MONDO:0008721, OMIM 201450.

Submission:

Labcorp Genetics (formerly Invitae), Labcorp
Classification: Pathogenic for Medium-chain acyl-coenzyme A dehydrogenase deficiency. Last evaluated: 2022-08-23. Review status: criteria provided, single submitter. Criteria: Invitae Variant Classification Sherloc (09022015). Collection method: clinical testing. Allele origin: germline.
Comment: This variant is a gross deletion of the genomic region encompassing exon(s) 12 of the ACADM gene, which includes the termination codon. This deletion extends beyond the assayed region for this gene and therefore may encompass additional genes. While this deletion is not anticipated to lead to nonsense mediated decay, it is expected to alter mRNA translation or result in a truncated protein product. This variant has not been reported in the literature in individuals affected with ACADM-related conditions. This variant disrupts a region of the ACADM protein in which other variant(s) (p.Arg413Cys) have been determined to be pathogenic (PMID: 20036593; Invitae). This suggests that this is a clinically significant region of the protein, and that variants that disrupt it are likely to be disease-causing. For these reasons, this variant has been classified as Pathogenic.

Literature cited by the submitters: PubMed 20036593.